The following is an entry in ClinVar:

NM_032119.4(ADGRV1):c.11599G>A (p.Glu3867Lys)

Gene: ADGRV1 (adhesion G protein-coupled receptor V1; plus strand). Cytogenetic location: 5q14.3.
Variant type: single nucleotide variant.
Coding change: c.11599G>A on transcript NM_032119.4 (MANE Select); coding-DNA position 11599, G replaced by A.
Protein change: p.Glu3867Lys; replaces glutamic acid 3867 with lysine.
Molecular consequence: missense variant. On other transcripts: non-coding transcript variant (1).
Genome position (GRCh38, 1-based): chr5:90,756,472, G>A. VCF-style: chr5-90756472-G-A. GRCh37 (hg19) VCF-style: chr5-90052289-G-A.
Other names: short protein forms E3867K.
Identifiers: ClinVar variation 46257 (VCV000046257.27), dbSNP rs10062026, ClinGen allele CA138005.

ClinVar aggregate classification (germline): Benign. Review status: criteria provided, multiple submitters, no conflicts (2 of 4 stars). 8 submissions from 8 submitters: Benign (7). 1 of the submissions does not count toward it. Last evaluated 2026-02-04.

Conditions:
Usher syndrome type 2C. Also called: Usher syndrome, type 2B; USHER SYNDROME, TYPE IIC. Identifiers: Orphanet 231178, Orphanet 886, MedGen C2931213, MONDO:0011558, OMIM 605472.

Allele frequency attached by ClinVar (database versions not stated): gnomAD exomes 0.34389; ExAC 0.34647; ESP Exome Variant Server 0.25290; gnomAD 0.27574 and 0.28280; TOPMed 0.28690; 1000 Genomes Project 30x 0.28951; 1000 Genomes Project 0.29613.
gnomAD v4.1: 521,949 of 1,529,114 alleles (34%); highest among the groups gnomAD compares: Admixed American, 53%; 94,980 homozygotes.

Submissions (8):

Labcorp Genetics (formerly Invitae), Labcorp
Classification: Benign. Last evaluated: 2026-02-04. Review status: criteria provided, single submitter. Criteria: Invitae Variant Classification Sherloc (09022015). Collection method: clinical testing. Allele origin: germline.

Mayo Clinic Laboratories, Mayo Clinic
Classification: Benign. Last evaluated: 2020-10-02. Review status: criteria provided, single submitter. Criteria: ACMG Guidelines, 2015. Collection method: clinical testing. Allele origin: germline. Observed: 95 variant alleles.

Illumina Laboratory Services, Illumina
Classification: Benign for Usher syndrome type 2C. Last evaluated: 2018-01-13. Review status: criteria provided, single submitter. Criteria: ICSL Variant Classification Criteria 13 December 2019. Collection method: clinical testing. Allele origin: germline.
Comment: This variant was observed in the ICSL laboratory as part of a predisposition screen in an ostensibly healthy population. It had not been previously curated by ICSL or reported in the Human Gene Mutation Database (HGMD: prior to June 1st, 2018), and was therefore a candidate for classification through an automated scoring system. Utilizing variant allele frequency, disease prevalence and penetrance estimates, and inheritance mode, an automated score was calculated to assess if this variant is too frequent to cause the disease. Based on the score and internal cut-off values, a variant classified as benign is not then subjected to further curation. The score for this variant resulted in a classification of benign for this disease.

Eurofins Ntd Llc (ga)
Classification: Benign. Last evaluated: 2015-11-22. Review status: criteria provided, single submitter. Criteria: EGL Classification Definitions 2015. Collection method: clinical testing. Allele origin: germline. Observed: 2 variant alleles, 2 heterozygotes.

GeneDx
Classification: Benign. Last evaluated: 2015-03-03. Review status: criteria provided, single submitter. Criteria: GeneDx Variant Classification Process June 2021. Collection method: clinical testing. Allele origin: germline. Affected: yes.

Laboratory for Molecular Medicine, Mass General Brigham Personalized Medicine
Classification: Benign. Last evaluated: 2010-03-23. Review status: criteria provided, single submitter. Criteria: LMM Criteria. Collection method: clinical testing. Allele origin: germline. Observed: 1,007 variant alleles.

PreventionGenetics, part of Exact Sciences
Classification: Benign. Review status: criteria provided, single submitter. Criteria: ACMG Guidelines, 2015. Collection method: clinical testing. Allele origin: germline.

Genetic Services Laboratory, University of Chicago
Classification: Likely benign. Review status: no assertion criteria provided. Collection method: clinical testing. Allele origin: germline. Inheritance: Autosomal dominant inheritance. Not counted in ClinVar's aggregate classification.
Comment: Likely benign based on allele frequency in 1000 Genomes Project or ESP global frequency and its presence in a patient with a rare or unrelated disease phenotype. NOT Sanger confirmed